The following is an entry in ClinVar:

ClinVar aggregate classification (germline): Uncertain significance (1 of 4 stars; one submission).

Conditions:
Methylcobalamin deficiency type cblE (HMAE). Also called: VITAMIN B12-RESPONSIVE HOMOCYSTINURIA, cblE TYPE; HOMOCYSTINURIA-MEGALOBLASTIC ANEMIA, cblE COMPLEMENTATION TYPE; HOMOCYSTINURIA-MEGALOBLASTIC ANEMIA, cblE TYPE. Identifiers: Orphanet 2169, Orphanet 622, MedGen C1856057, MONDO:0009354, OMIM 236270.

Allele frequency attached by ClinVar (database versions not stated): gnomAD exomes below 0.00001; ExAC 0.00001; TOPMed 0.00001.
gnomAD v4.1: 1 of 1,614,154 alleles (0.000062%); highest among the groups gnomAD compares: Admixed American, 0.0017%; no homozygotes.

Submission:

Labcorp Genetics (formerly Invitae), Labcorp
Classification: Uncertain significance for Methylcobalamin deficiency type cblE. Last evaluated: 2022-12-06. Review status: criteria provided, single submitter. Criteria: Invitae Variant Classification Sherloc (09022015). Collection method: clinical testing. Allele origin: germline.
Comment: Advanced modeling of protein sequence and biophysical properties (such as structural, functional, and spatial information, amino acid conservation, physicochemical variation, residue mobility, and thermodynamic stability) performed at Invitae indicates that this missense variant is not expected to disrupt MTRR protein function. In summary, the available evidence is currently insufficient to determine the role of this variant in disease. Therefore, it has been classified as a Variant of Uncertain Significance. This variant has not been reported in the literature in individuals affected with MTRR-related conditions. This variant is not present in population databases (gnomAD no frequency). This sequence change replaces valine, which is neutral and non-polar, with alanine, which is neutral and non-polar, at codon 28 of the MTRR protein (p.Val28Ala).

NM_002454.3(MTRR):c.83T>C (p.Val28Ala)

Gene: MTRR (5-methyltetrahydrofolate-homocysteine methyltransferase reductase; plus strand). Cytogenetic location: 5p15.31.
Variant type: single nucleotide variant.
Coding change: c.83T>C on transcript NM_002454.3 (MANE Select); coding-DNA position 83, T replaced by C.
Protein change: p.Val28Ala; replaces valine 28 with alanine.
Molecular consequence: missense variant. On other transcripts: non-coding transcript variant (14).
Genome position (GRCh38, 1-based): chr5:7,870,877, T>C. VCF-style: chr5-7870877-T-C. GRCh37 (hg19) VCF-style: chr5-7870990-T-C.
Other names: c.83T>C, p.Val28Ala (NM_001364440.2, NM_001364441.2, NM_001364442.2 and 1 more transcripts); short protein forms V28A.
Identifiers: ClinVar variation 2181251 (VCV002181251.4), dbSNP rs773463459, ClinGen allele CA3195470.